The following is an entry in ClinVar:

NM_053025.4(MYLK):c.4055G>T (p.Trp1352Leu)

Gene: MYLK (myosin light chain kinase; minus strand). Cytogenetic location: 3q21.1.
Variant type: single nucleotide variant.
Coding change: c.4055G>T on transcript NM_053025.4 (MANE Select); coding-DNA position 4055, G replaced by T.
Protein change: p.Trp1352Leu; replaces tryptophan 1352 with leucine.
Molecular consequence: missense variant.
Genome position (GRCh38, 1-based): chr3:123,657,359, C>A on the plus strand (G>T on the coding strand, the complement: MYLK is on the minus strand). VCF-style: chr3-123657359-C-A. GRCh37 (hg19) VCF-style: chr3-123376206-C-A.
Other names: c.3527G>T, p.Trp1176Leu (NM_001321309.2); c.3848G>T, p.Trp1283Leu (NM_053026.4, NM_053028.4); c.4055G>T, p.Trp1352Leu (NM_053027.4); short protein forms W1176L, W1283L, W1352L.
Identifiers: ClinVar variation 915485 (VCV000915485.8), dbSNP rs2059420831, ClinGen allele CA354228236.

ClinVar aggregate classification (germline): Uncertain significance. Review status: criteria provided, multiple submitters, no conflicts (2 of 4 stars). 3 submissions from 3 submitters: Uncertain significance (3). Last evaluated 2025-12-22.

Conditions:
Aortic aneurysm, familial thoracic 7 (AAT7). Also called: AORTIC DISSECTION, FAMILIAL, WITH OR WITHOUT AORTIC ANEURYSM. Identifiers: MedGen C3151077, MONDO:0013418, OMIM 613780.
Familial thoracic aortic aneurysm and aortic dissection (TAAD). Also called: Thoracic aortic aneurysms and dissections. Identifiers: Orphanet 91387, MedGen C4707243, MONDO:0019625.

Submissions (3):

Labcorp Genetics (formerly Invitae), Labcorp
Classification: Uncertain significance for Aortic aneurysm, familial thoracic 7. Last evaluated: 2025-12-22. Review status: criteria provided, single submitter. Criteria: Invitae Variant Classification Sherloc (09022015). Collection method: clinical testing. Allele origin: germline.
Comment: This sequence change replaces tryptophan, which is neutral and slightly polar, with leucine, which is neutral and non-polar, at codon 1352 of the MYLK protein (p.Trp1352Leu). This variant is not present in population databases (gnomAD no frequency). This missense change has been observed in individuals with MYLK-related conditions (PMID: 35830949; internal data). ClinVar contains an entry for this variant (Variation ID: 915485). Invitae Evidence Modeling of protein sequence and biophysical properties (such as structural, functional, and spatial information, amino acid conservation, physicochemical variation, residue mobility, and thermodynamic stability) indicates that this missense variant is not expected to disrupt MYLK protein function with a negative predictive value of 80%. In summary, the available evidence is currently insufficient to determine the role of this variant in disease. Therefore, it has been classified as a Variant of Uncertain Significance.

Molecular Genetics, Royal Melbourne Hospital
Classification: Uncertain significance for Familial thoracic aortic aneurysm and aortic dissection. Last evaluated: 2024-10-03. Review status: criteria provided, single submitter. Criteria: ACMG Guidelines, 2015. Collection method: clinical testing. Allele origin: germline. Inheritance: Autosomal dominant inheritance. Affected: yes.
Comment: This sequence change in MYLK is predicted to replace tryptophan with leucine at codon 1352, p.(Trp1352Leu). The tryptophan residue is highly conserved (100 vertebrates, Multiz Alignments), and is located in the fibronectin type III domain. There is a moderate physicochemical difference between tryptophan and leucine. MYLK, in which the variant was identified, is a gene significantly constrained for missense variation and where pathogenic missense variants are a common mechanism of disease (gnomAD v4.1). This variant is absent from the population database gnomAD v4.1. This variant has been reported in multiple probands with thoracic aortic disease (PMID: 35830949; CHEO Genetics Diagnostic Laboratory, Invitae, Royal Melbourne Hospital). Computational evidence predicts a deleterious effect for the missense substitution (REVEL = 0.849) and predicts no impact on splicing. Based on the classification scheme RMH Modified ACMG/AMP Guidelines v1.7.0, this variant is classified as a VARIANT OF UNCERTAIN SIGNIFICANCE. Following criteria are met: PM2_Supporting, PP2, PP3, PS4_Supporting

CHEO Genetics Diagnostic Laboratory, Children's Hospital of Eastern Ontario
Classification: Uncertain significance for Familial thoracic aortic aneurysm and aortic dissection. Last evaluated: 2018-03-19. Review status: criteria provided, single submitter. Criteria: ACMG Guidelines, 2015. Collection method: clinical testing. Allele origin: germline.

Literature cited by the submitters: PubMed 35830949 (cited by Labcorp Genetics (formerly Invitae), Labcorp and Molecular Genetics, Royal Melbourne Hospital).